The following is an entry in ClinVar:

ClinVar aggregate classification (germline): Conflicting classifications of pathogenicity. Review status: criteria provided, conflicting classifications (1 of 4 stars). 10 submissions from 8 submitters: Uncertain significance (1); Likely benign (7). 2 of the submissions do not count toward it. Last evaluated 2026-01-04.

Conditions:
Familial Mediterranean fever (FMF). Also called: POLYSEROSITIS, FAMILIAL PAROXYSMAL; POLYSEROSITIS, RECURRENT; Periodic peritonitis; Benign paroxysmal peritonitis. Identifiers: Orphanet 342, MedGen C0031069, MONDO:0018088, OMIM 249100. Disease mechanism: gain of function.
Familial Mediterranean fever, autosomal dominant. Also called: Dominant Familial Mediterranean Fever; FMF, AUTOSOMAL DOMINANT. Identifiers: Orphanet 342, MedGen C1851347, MONDO:0007601, OMIM 134610.
Acute febrile neutrophilic dermatosis (AFND). Also called: Gomm Button disease; Sweet Syndrome. Identifiers: Orphanet 3243, MedGen C0085077, MONDO:0011959, OMIM 608068.
MEFV-related disorder. Also called: MEFV-related disorders; MEFV-related condition.

Allele frequency attached by ClinVar (database versions not stated): gnomAD 0.00003 and 0.00005; TOPMed 0.00007; gnomAD exomes 0.00010 and 0.00002; 1000 Genomes Project 0.00020; ExAC 0.00002; 1000 Genomes Project 30x 0.00031.
gnomAD v4.1: 42 of 1,614,196 alleles (0.0026%); highest among the groups gnomAD compares: Admixed American, 0.047%; no homozygotes.

Submissions (10):

Labcorp Genetics (formerly Invitae), Labcorp
Classification: Likely benign for Familial Mediterranean fever. Last evaluated: 2026-01-04. Review status: criteria provided, single submitter. Criteria: Invitae Variant Classification Sherloc (09022015). Collection method: clinical testing. Allele origin: germline.

Mayo Clinic Laboratories, Mayo Clinic
Classification: Likely benign. Last evaluated: 2025-04-23. Review status: criteria provided, single submitter. Criteria: ACMG Guidelines, 2015. Collection method: clinical testing. Allele origin: germline. Observed: 1 variant allele.
Comment: BP4, BP7

PreventionGenetics, part of Exact Sciences
Classification: Likely benign for MEFV-related condition. Last evaluated: 2025-04-12. Review status: criteria provided, single submitter. Criteria: ACMG Guidelines, 2015. Collection method: clinical testing. Allele origin: germline.
Comment: This variant is classified as likely benign based on ACMG/AMP sequence variant interpretation guidelines (Richards et al. 2015 PMID: 25741868, with internal and published modifications).

Genome-Nilou Lab
Classification: Uncertain significance for Familial Mediterranean fever. Last evaluated: 2023-02-08. Review status: criteria provided, single submitter. Criteria: ACMG Guidelines, 2015. Collection method: clinical testing. Allele origin: germline.

Genome-Nilou Lab
Classification: Likely benign for Familial Mediterranean fever, autosomal dominant. Last evaluated: 2023-02-08. Review status: criteria provided, single submitter. Criteria: ACMG Guidelines, 2015. Collection method: clinical testing. Allele origin: germline.

Genome-Nilou Lab
Classification: Likely benign for Acute febrile neutrophilic dermatosis. Last evaluated: 2023-02-08. Review status: criteria provided, single submitter. Criteria: ACMG Guidelines, 2015. Collection method: clinical testing. Allele origin: germline.

Fulgent Genetics
Classification: Likely benign for Familial Mediterranean fever, autosomal dominant; Familial Mediterranean fever; Acute febrile neutrophilic dermatosis. Last evaluated: 2021-09-07. Review status: criteria provided, single submitter. Criteria: ACMG Guidelines, 2015. Collection method: clinical testing. Allele origin: unknown.

Women's Health and Genetics/Laboratory Corporation of America, LabCorp
Classification: Likely benign. Last evaluated: 2020-01-31. Review status: criteria provided, single submitter. Criteria: LabCorp Variant Classification Summary - May 2015. Collection method: clinical testing. Allele origin: germline.

Natera, Inc.
Classification: Likely benign for Familial Mediterranean fever. Last evaluated: 2020-08-21. Review status: no assertion criteria provided. Collection method: clinical testing. Allele origin: germline. Not counted in ClinVar's aggregate classification.

Unité médicale des maladies autoinflammatoires, CHRU Montpellier
No classification provided. Condition: Familial Mediterranean fever. Review status: no classification provided. Collection method: not provided. Allele origin: unknown. Not counted in ClinVar's aggregate classification.

Literature cited by the submitters: PubMed 9668175 (cited by Women's Health and Genetics/Laboratory Corporation of America, LabCorp); PubMed 15024744 (cited by Women's Health and Genetics/Laboratory Corporation of America, LabCorp); PubMed 29599418 (cited by Women's Health and Genetics/Laboratory Corporation of America, LabCorp).

NM_000243.3(MEFV):c.1179C>T (p.Pro393=)

Gene: MEFV (MEFV innate immunity regulator, pyrin; minus strand). Cytogenetic location: 16p13.3.
Variant type: single nucleotide variant.
Coding change: c.1179C>T on transcript NM_000243.3 (MANE Select); coding-DNA position 1179, C replaced by T.
Protein change: p.Pro393=; no amino-acid change (proline 393 retained).
Molecular consequence: synonymous variant.
Genome position (GRCh38, 1-based): chr16:3,249,512, G>A on the plus strand (C>T on the coding strand, the complement: MEFV is on the minus strand). VCF-style: chr16-3249512-G-A. GRCh37 (hg19) VCF-style: chr16-3299512-G-A.
Other names: p.Pro393=; c.546C>T, p.Pro182= (NM_001198536.2).
Identifiers: ClinVar variation 97434 (VCV000097434.18), dbSNP rs104895082, ClinGen allele CA280379.